The following is an entry in ClinVar:

ClinVar aggregate classification (germline): Benign/Likely benign. Review status: criteria provided, multiple submitters, no conflicts (2 of 4 stars). 5 submissions from 5 submitters: Benign (1); Likely benign (4). Last evaluated 2025-09-01.

Allele frequency attached by ClinVar (database versions not stated): 1000 Genomes Project 0.00040; 1000 Genomes Project 30x 0.00047; ExAC 0.00134; gnomAD exomes 0.00139 and 0.00283; gnomAD 0.00180 and 0.00181; ESP Exome Variant Server 0.00189; TOPMed 0.00214.
gnomAD v4.1: 4,427 of 1,612,738 alleles (0.27%); highest among the groups gnomAD compares: Non-Finnish European, 0.33%; 6 homozygotes.

Submissions (5):

CeGaT Center for Human Genetics Tuebingen
Classification: Likely benign. Last evaluated: 2025-09-01. Review status: criteria provided, single submitter. Criteria: CeGaT Center For Human Genetics Tuebingen Variant Classification Criteria Version 2. Collection method: clinical testing. Allele origin: germline. Affected: yes. Observed: 7 variant alleles.
Comment: RUBCN: BP4, BP7

Mayo Clinic Laboratories, Mayo Clinic
Classification: Benign. Last evaluated: 2025-04-21. Review status: criteria provided, single submitter. Criteria: ACMG Guidelines, 2015. Collection method: clinical testing. Allele origin: germline. Observed: 5 variant alleles.
Comment: BS1, BS2, BP4, BP7

Blueprint Genetics
Classification: Likely benign. Last evaluated: 2024-11-21. Review status: criteria provided, single submitter. Criteria: ACMG Guidelines, 2015. Collection method: clinical testing. Allele origin: germline.

Labcorp Genetics (formerly Invitae), Labcorp
Classification: Likely benign. Last evaluated: 2019-12-31. Review status: criteria provided, single submitter. Criteria: Invitae Variant Classification Sherloc (09022015). Collection method: clinical testing. Allele origin: germline.

Breakthrough Genomics
Classification: Likely benign. Review status: criteria provided, single submitter. Criteria: ACMG Guidelines, 2015. Collection method: not provided. Allele origin: germline. Inheritance: Autosomal recessive inheritance. Affected: yes.

NM_014687.4(RUBCN):c.2898C>T (p.Ala966=)

Gene: RUBCN (rubicon autophagy regulator; minus strand). Cytogenetic location: 3q29.
Variant type: single nucleotide variant.
Coding change: c.2898C>T on transcript NM_014687.4 (MANE Select); coding-DNA position 2898, C replaced by T.
Protein change: p.Ala966=; no amino-acid change (alanine 966 retained).
Molecular consequence: synonymous variant.
Genome position (GRCh38, 1-based): chr3:197,675,039, G>A on the plus strand (C>T on the coding strand, the complement: RUBCN is on the minus strand). VCF-style: chr3-197675039-G-A. GRCh37 (hg19) VCF-style: chr3-197401910-G-A.
Other names: p.Ala921=; c.2763C>T (NM_001145642.4); c.2763C>T, p.Ala921= (NM_001145642.5); c.3015C>T, p.Ala1005= (NM_001346873.2).
Identifiers: ClinVar variation 791392 (VCV000791392.32), dbSNP rs202195282, ClinGen allele CA2786400.